The following is an entry in ClinVar:

NM_004082.5(DCTN1):c.280-3C>T

Gene: DCTN1 (dynactin subunit 1; minus strand). Cytogenetic location: 2p13.1.
Variant type: single nucleotide variant.
Coding change: c.280-3C>T on transcript NM_004082.5 (MANE Select); 3 bases into the intron before coding-DNA position 280, C replaced by T.
Molecular consequence: intron variant.
Genome position (GRCh38, 1-based): chr2:74,377,729, G>A on the plus strand (C>T on the coding strand, the complement: DCTN1 is on the minus strand). VCF-style: chr2-74377729-G-A. GRCh37 (hg19) VCF-style: chr2-74604856-G-A.
Other names: c.229-3C>T (NM_001190836.2, NM_001378992.1, NM_001378991.1); c.280-3C>T (NM_001135040.3, NM_001190837.2).
Identifiers: ClinVar variation 702720 (VCV000702720.18), dbSNP rs114364621, ClinGen allele CA1722557.

ClinVar aggregate classification (germline): Benign/Likely benign. Review status: criteria provided, multiple submitters, no conflicts (2 of 4 stars). 6 submissions from 6 submitters: Benign (2); Likely benign (3). 1 of the submissions does not count toward it. Last evaluated 2025-10-22.

Conditions:
Inborn genetic diseases. Identifiers: MedGen C0950123, MeSH D030342.
DCTN1-related disorder. Also called: DCTN1-related condition.
Perry syndrome. Also called: PARKINSONISM WITH ALVEOLAR HYPOVENTILATION AND MENTAL DEPRESSION. Identifiers: Orphanet 178509, MedGen C1868594, MONDO:0008201, OMIM 168605.
Neuronopathy, distal hereditary motor, type 7B. Also called: NEURONOPATHY, DISTAL HEREDITARY MOTOR, AUTOSOMAL DOMINANT 14; NEURONOPATHY, DISTAL HEREDITARY MOTOR, HARDING TYPE VIIB; NEUROPATHY, DISTAL HEREDITARY MOTOR, HARDING TYPE VIIB; NEUROPATHY, DISTAL HEREDITARY MOTOR, WITH VOCAL CORD PARALYSIS, HARDING TYPE VIIB; HMN VIIB; LOWER MOTOR NEURON DISEASE, DYNACTIN TYPE. Identifiers: Orphanet 139589, MedGen C1843315, MONDO:0011879, OMIM 607641.
Amyotrophic lateral sclerosis type 1 (ALS1). Also called: AMYOTROPHIC LATERAL SCLEROSIS 1, FAMILIAL. Identifiers: Orphanet 803, MedGen C1862939, MONDO:0007103, OMIM 105400.

Allele frequency attached by ClinVar (database versions not stated): gnomAD exomes 0.00010 and 0.00025; ExAC 0.00027; ESP Exome Variant Server 0.00069; gnomAD 0.00091 and 0.00094; TOPMed 0.00098; 1000 Genomes Project 0.00120; 1000 Genomes Project 30x 0.00172.
gnomAD v4.1: 302 of 1,612,600 alleles (0.019%); highest among the groups gnomAD compares: African/African-American, 0.35%; 1 homozygote.

Submissions (6):

Labcorp Genetics (formerly Invitae), Labcorp
Classification: Likely benign for Amyotrophic lateral sclerosis type 1; Neuronopathy, distal hereditary motor, type 7B; Perry syndrome. Last evaluated: 2025-10-22. Review status: criteria provided, single submitter. Criteria: Invitae Variant Classification Sherloc (09022015). Collection method: clinical testing. Allele origin: germline.

GeneDx
Classification: Benign. Last evaluated: 2021-05-17. Review status: criteria provided, single submitter. Criteria: GeneDx Variant Classification Process June 2021. Collection method: clinical testing. Allele origin: germline. Affected: yes.

Athena Diagnostics
Classification: Benign. Last evaluated: 2020-11-27. Review status: criteria provided, single submitter. Criteria: Athena Diagnostics criteria. Collection method: clinical testing. Allele origin: unknown.

Ambry Genetics
Classification: Likely benign for Inborn genetic diseases. Last evaluated: 2020-04-13. Review status: criteria provided, single submitter. Criteria: Ambry Variant Classification Scheme 2023. Collection method: clinical testing. Allele origin: germline.

Breakthrough Genomics
Classification: Likely benign. Review status: criteria provided, single submitter. Criteria: ACMG Guidelines, 2015. Collection method: not provided. Allele origin: germline. Inheritance: Autosomal recessive inheritance. Affected: yes.

PreventionGenetics, part of Exact Sciences
Classification: Likely benign for DCTN1-related condition. Last evaluated: 2022-09-01. Review status: no assertion criteria provided. Collection method: clinical testing. Allele origin: germline. Not counted in ClinVar's aggregate classification.
Comment: This variant is classified as likely benign based on ACMG/AMP sequence variant interpretation guidelines (Richards et al. 2015 PMID: 25741868, with internal and published modifications).